The following is an entry in ClinVar:

ClinVar aggregate classification (germline): Likely benign (1 of 4 stars; one submission).

Submission:

CeGaT Center for Human Genetics Tuebingen
Classification: Likely benign. Last evaluated: 2026-06-01. Review status: criteria provided, single submitter. Criteria: CeGaT Center For Human Genetics Tuebingen Variant Classification Criteria Version 2. Collection method: clinical testing. Allele origin: germline. Affected: yes. Observed: 1 variant allele.
Comment: OPN1MW3: BP4, BP7; OPN1MW2: BP4, BP7

NM_001048181.3(OPN1MW2):c.453A>G (p.Arg151=)

Genes: OPN1MW2 (opsin 1, medium wave sensitive 2; plus strand), OPN1MW3 (opsin 1, medium wave sensitive 3; plus strand). Cytogenetic location: Xq28.
Variant type: single nucleotide variant.
Coding change: c.453A>G on transcript NM_001048181.3 (MANE Select); coding-DNA position 453, A replaced by G.
Protein change: p.Arg151=; no amino-acid change (arginine 151 retained).
Molecular consequence: synonymous variant.
Genome position (GRCh38, 1-based): chrX:154,227,235, A>G. VCF-style: chrX-154227235-A-G. GRCh37 (hg19) VCF-style: chrX-153492704-A-G.
Identifiers: ClinVar variation 4872069 (VCV004872069.2).